The following is an entry in ClinVar:

NM_053025.4(MYLK):c.984del (p.Arg330fs)

Gene: MYLK (myosin light chain kinase; minus strand). Cytogenetic location: 3q21.1.
Variant type: Deletion.
Coding change: c.984del on transcript NM_053025.4 (MANE Select); coding-DNA position 984, one base deleted (G; older notation c.984delG).
Protein change: p.Arg330fs; shifts the reading frame from arginine 330.
Molecular consequence: frameshift variant.
Genome position (GRCh38, 1-based): chr3:123,734,012, C deleted on the plus strand (G on the coding strand, the reverse complement: MYLK is on the minus strand). VCF-style (leftmost placement, unchanged base first): chr3-123734011-GC-G. GRCh37 (hg19) VCF-style: chr3-123452858-GC-G.
Other names: c.456del, p.Arg154fs (NM_001321309.2); c.984del, p.Arg330fs (NM_053026.4, NM_053027.4, NM_053028.4); short protein forms R154fs, R330fs.
Identifiers: ClinVar variation 5037991 (VCV005037991.2).

ClinVar aggregate classification (germline): Likely pathogenic (1 of 4 stars; one submission).

Conditions:
Aortic aneurysm, familial thoracic 7 (AAT7). Also called: AORTIC DISSECTION, FAMILIAL, WITH OR WITHOUT AORTIC ANEURYSM. Identifiers: MedGen C3151077, MONDO:0013418, OMIM 613780.
Megacystis-microcolon-intestinal hypoperistalsis syndrome 1. Identifiers: MedGen C5542316, MONDO:0100354, OMIM 249210.

Submission:

Juno Genomics, Hangzhou Juno Genomics, Inc
Classification: Likely pathogenic for Aortic aneurysm, familial thoracic 7; Megacystis-microcolon-intestinal hypoperistalsis syndrome 1. Review status: criteria provided, single submitter. Criteria: ACMG Guidelines, 2015. Collection method: clinical testing. Allele origin: germline.
Comment: Absent from controls (or at extremely low frequency if recessive) in Genome Aggregation Database.;Null variant in a gene where loss of function (LOF) is a known mechanism of disease.